The following is an entry in ClinVar:

NM_052963.3(TOP1MT):c.1005C>T (p.Ala335=)

Gene: TOP1MT (DNA topoisomerase I mitochondrial; minus strand). Cytogenetic location: 8q24.3.
Variant type: single nucleotide variant.
Coding change: c.1005C>T on transcript NM_052963.3 (MANE Select); coding-DNA position 1005, C replaced by T.
Protein change: p.Ala335=; no amino-acid change (alanine 335 retained).
Molecular consequence: synonymous variant.
Genome position (GRCh38, 1-based): chr8:143,321,342, G>A on the plus strand (C>T on the coding strand, the complement: TOP1MT is on the minus strand). VCF-style: chr8-143321342-G-A. GRCh37 (hg19) VCF-style: chr8-144403512-G-A.
Other names: c.711C>T, p.Ala237= (NM_001258446.1, NM_001258447.1).
Identifiers: ClinVar variation 3771656 (VCV003771656.13).

ClinVar aggregate classification (germline): Likely benign (1 of 4 stars; one submission).

gnomAD v4.1: 15 of 1,600,134 alleles (0.00094%); highest among the groups gnomAD compares: Middle Eastern, 0.017%; no homozygotes.

Submission:

CeGaT Center for Human Genetics Tuebingen
Classification: Likely benign. Last evaluated: 2025-01-01. Review status: criteria provided, single submitter. Criteria: CeGaT Center For Human Genetics Tuebingen Variant Classification Criteria Version 2. Collection method: clinical testing. Allele origin: germline. Affected: yes. Observed: 1 variant allele.
Comment: TOP1MT: BP4, BP7